The following is an entry in ClinVar:

ClinVar aggregate classification (germline): Uncertain significance (1 of 4 stars; one submission).

Conditions:
Hereditary cancer-predisposing syndrome. Also called: Neoplastic Syndromes, Hereditary; Hereditary Cancer Syndrome; Tumor predisposition; Hereditary neoplastic syndrome. Identifiers: Orphanet 140162, MedGen C0027672, MeSH D009386, MONDO:0015356.

Submission:

Ambry Genetics
Classification: Uncertain significance for Hereditary cancer-predisposing syndrome. Last evaluated: 2025-02-26. Review status: criteria provided, single submitter. Criteria: Ambry Variant Classification Scheme 2023. Collection method: clinical testing. Allele origin: germline.
Comment: The c.6066dupC variant, located in coding exon 44 of the POLE gene, results from a duplication of C at nucleotide position 6066, causing a translational frameshift with a predicted alternate stop codon (p.T2023Hfs*36). This alteration is expected to result in loss of function by premature protein truncation or nonsense-mediated mRNA decay. Although biallelic loss of function of POLE has been associated with autosomal recessive POLE deficiency, haploinsufficiency of POLE has not been established as a mechanism of disease for POLE-related polymerase proofreading-associated polyposis (PPAP) and POLE-related CMMRD-like syndrome. Based on the supporting evidence, this variant is expected to be causative of POLE deficiency when present along with a second pathogenic variant on the other allele; however, its clinical significance for PPAP and POLE-related CMMRD-like syndrome is unclear.

NM_006231.4(POLE):c.6066dup (p.Thr2023fs)

Gene: POLE (DNA polymerase epsilon, catalytic subunit; minus strand). Cytogenetic location: 12q24.33.
Variant type: Duplication.
Coding change: c.6066dup on transcript NM_006231.4 (MANE Select); coding-DNA position 6066, one base duplicated (C; older notation c.6066dupC).
Protein change: p.Thr2023fs; shifts the reading frame from threonine 2023.
Molecular consequence: frameshift variant.
Genome position (GRCh38, 1-based): chr12:132,632,734, G duplicated on the plus strand (C on the coding strand, the reverse complement: POLE is on the minus strand). VCF-style (leftmost placement, unchanged base first): chr12-132632733-T-TG. GRCh37 (hg19) VCF-style: chr12-133209319-T-TG.
Other names: short protein forms T2023fs.
Identifiers: ClinVar variation 3781587 (VCV003781587.1).